The following is an entry in ClinVar:

NC_000002.12:g.(?_47803410)_(47803695_?)del

Gene: MSH6 (mutS homolog 6; plus strand). Cytogenetic location: 2p16.3.
Variant type: Deletion.
Identifiers: ClinVar variation 832750 (VCV000832750.1).

ClinVar aggregate classification (germline): Pathogenic (1 of 4 stars; one submission).

Conditions:
Hereditary nonpolyposis colorectal neoplasms. Identifiers: MedGen C0009405, MeSH D003123.

Submission:

Labcorp Genetics (formerly Invitae), Labcorp
Classification: Pathogenic for Hereditary nonpolyposis colon cancer. Last evaluated: 2019-05-12. Review status: criteria provided, single submitter. Criteria: Invitae Variant Classification Sherloc (09022015). Collection method: clinical testing. Allele origin: germline.
Comment: This variant is an out-of-frame deletion of the genomic region encompassing exon 5 of the MSH6 gene. This is expected to create a premature translational stop signal and result in an absent or disrupted protein product. Similar deletions of exon 5 has not been reported in the literature in individuals with MSH6-related disease. Loss-of-function variants in MSH6 are known to be pathogenic (PMID: 18269114, 24362816). For these reasons, this variant has been classified as Pathogenic.